The following is an entry in ClinVar:

NM_020949.3(SLC7A14):c.2108C>T (p.Ser703Leu)

Gene: SLC7A14 (solute carrier family 7 member 14; minus strand). Cytogenetic location: 3q26.2.
Variant type: single nucleotide variant.
Coding change: c.2108C>T on transcript NM_020949.3 (MANE Select); coding-DNA position 2108, C replaced by T.
Protein change: p.Ser703Leu; replaces serine 703 with leucine.
Molecular consequence: missense variant.
Genome position (GRCh38, 1-based): chr3:170,467,263, G>A on the plus strand (C>T on the coding strand, the complement: SLC7A14 is on the minus strand). VCF-style: chr3-170467263-G-A. GRCh37 (hg19) VCF-style: chr3-170185051-G-A.
Other names: short protein forms S703L.
Identifiers: ClinVar variation 938165 (VCV000938165.32), dbSNP rs371346143, ClinGen allele CA2701504.

ClinVar aggregate classification (germline): Conflicting classifications of pathogenicity. Review status: criteria provided, conflicting classifications (1 of 4 stars). 3 submissions from 3 submitters: Uncertain significance (1); Likely benign (2). Last evaluated 2025-11-05.

Allele frequency attached by ClinVar (database versions not stated): gnomAD 0.00002 and 0.00007; TOPMed 0.00003; ESP Exome Variant Server 0.00008; gnomAD exomes 0.00009 and 0.00024; ExAC 0.00023; 1000 Genomes Project 0.00080; 1000 Genomes Project 30x 0.00109.
gnomAD v4.1: 148 of 1,614,250 alleles (0.0092%); highest among the groups gnomAD compares: South Asian, 0.096%; 2 homozygotes.

Submissions (3):

Labcorp Genetics (formerly Invitae), Labcorp
Classification: Uncertain significance. Last evaluated: 2025-11-05. Review status: criteria provided, single submitter. Criteria: Invitae Variant Classification Sherloc (09022015). Collection method: clinical testing. Allele origin: germline.
Comment: This sequence change replaces serine, which is neutral and polar, with leucine, which is neutral and non-polar, at codon 703 of the SLC7A14 protein (p.Ser703Leu). This variant is present in population databases (rs371346143, gnomAD 0.1%), and has an allele count higher than expected for a pathogenic variant. This variant has not been reported in the literature in individuals affected with SLC7A14-related conditions. ClinVar contains an entry for this variant (Variation ID: 938165). An algorithm developed to predict the effect of missense changes on protein structure and function (PolyPhen-2) suggests that this variant is likely to be tolerated. In summary, the available evidence is currently insufficient to determine the role of this variant in disease. Therefore, it has been classified as a Variant of Uncertain Significance.

Blueprint Genetics
Classification: Likely benign. Last evaluated: 2024-11-21. Review status: criteria provided, single submitter. Criteria: ACMG Guidelines, 2015. Collection method: clinical testing. Allele origin: germline.

CeGaT Center for Human Genetics Tuebingen
Classification: Likely benign. Last evaluated: 2023-03-01. Review status: criteria provided, single submitter. Criteria: CeGaT Center For Human Genetics Tuebingen Variant Classification Criteria Version 2. Collection method: clinical testing. Allele origin: germline. Affected: yes. Observed: 1 variant allele.
Comment: SLC7A14: BS2